The following is an entry in ClinVar:

NM_000203.5(IDUA):c.1273del (p.His425fs)

Gene: IDUA (alpha-L-iduronidase; plus strand). Cytogenetic location: 4p16.3.
Variant type: Deletion.
Coding change: c.1273del on transcript NM_000203.5 (MANE Select); coding-DNA position 1273, one base deleted (C; older notation c.1273delC).
Protein change: p.His425fs; shifts the reading frame from histidine 425.
Molecular consequence: frameshift variant. On other transcripts: non-coding transcript variant (1).
Genome position (GRCh38, 1-based): chr4:1,002,815, C deleted; the last of 3 consecutive C bases (chr4:1,002,813-1,002,815); deleting any one gives the same sequence. VCF-style (leftmost placement, unchanged base first): chr4-1002812-GC-G. GRCh37 (hg19) VCF-style: chr4-996600-GC-G.
Other names: c.1273del (NM_000203.4); c.877del, p.His293fs (NM_001363576.1); short protein forms H293fs, H425fs.
Identifiers: ClinVar variation 3391381 (VCV003391381.2).

ClinVar aggregate classification (germline): Pathogenic/Likely pathogenic. Review status: criteria provided, multiple submitters, no conflicts (2 of 4 stars). 2 submissions from 2 submitters: Pathogenic (1); Likely pathogenic (1). Last evaluated 2024-05-10.

Conditions:
Mucopolysaccharidosis type 1. Also called: IDUA deficiency; MPS I; Mucopolysaccharidosis Type I. Identifiers: Orphanet 579, MedGen C0023786, MONDO:0001586.
Mucopolysaccharidosis, MPS-I-H/S. Also called: Mucopolysaccharidosis type IH/S. Identifiers: Orphanet 93476, MedGen C0086431, MONDO:0011759, OMIM 607015.

Submissions (2):

Natera, Inc.
Classification: Pathogenic for Mucopolysaccharidosis type I. Last evaluated: 2024-05-10. Review status: criteria provided, single submitter. Criteria: Natera Variant Classification Schema (03/2026). Collection method: clinical testing. Allele origin: germline.
Comment: The c.1273del variant in IDUA is a frameshift variant predicted to shift the reading frame beginning at codon 425 and leads to a stop codon 15 codons downstream. This variant is expected to result in nonsense mediated decay, truncation, or a dysfunctional protein product. This variant is rare in the general population with a frequency below the threshold expected for the associated phenotype(s). This variant has been observed in one or more individuals affected with the associated recessive disease, as either homozygous or compound heterozygous with a second variant (PMID: 33301762, 31194252, 23837464). Given the available evidence, this variant is classified as Pathogenic.

Neuberg Centre For Genomic Medicine, NCGM
Classification: Likely pathogenic for Mucopolysaccharidosis, MPS-I-H/S. Last evaluated: 2023-06-22. Review status: criteria provided, single submitter. Criteria: ACMG Guidelines, 2015. Collection method: clinical testing. Allele origin: germline. Inheritance: Autosomal recessive inheritance. Affected: yes.
Comment: The frame shift c.1273delp.His425ThrfsTer15 variant in IDUA gene has not been reported previously as a pathogenic variant nor as a benign variant, to our knowledge. The observed variant is absent in gnomAD exomes database. This variant has not been submitted to the ClinVar database. This variant causes a frameshift starting with codon Histidine 425, changes this amino acid to Threonine residue, and creates a premature Stop codon at position 15 of the new reading frame, denoted p.His425ThrfsTer15. This variant is predicted to cause loss of normal protein function through protein truncation. Loss of function variants have been previously reported to be disease causing. For these reasons, this variant has been classified as Likely Pathogenic.

Literature cited by the submitters: PubMed 33301762 (cited by Natera, Inc.); PubMed 31194252 (cited by Natera, Inc.); PubMed 23837464 (cited by Natera, Inc.).